The following is an entry in ClinVar:

ClinVar aggregate classification (germline): Uncertain significance (1 of 4 stars; one submission).

Conditions:
Methylcobalamin deficiency type cblE (HMAE). Also called: HOMOCYSTINURIA-MEGALOBLASTIC ANEMIA, cblE TYPE; VITAMIN B12-RESPONSIVE HOMOCYSTINURIA, cblE TYPE; HOMOCYSTINURIA-MEGALOBLASTIC ANEMIA, cblE COMPLEMENTATION TYPE. Identifiers: Orphanet 2169, Orphanet 622, MedGen C1856057, MONDO:0009354, OMIM 236270.

Allele frequency attached by ClinVar (database versions not stated): gnomAD exomes 0.00007.
gnomAD v4.1: 55 of 1,614,086 alleles (0.0034%); highest among the groups gnomAD compares: Admixed American, 0.043%; no homozygotes.

Submission:

Labcorp Genetics (formerly Invitae), Labcorp
Classification: Uncertain significance for Methylcobalamin deficiency type cblE. Last evaluated: 2022-03-19. Review status: criteria provided, single submitter. Criteria: Invitae Variant Classification Sherloc (09022015). Collection method: clinical testing. Allele origin: germline.
Comment: This sequence change replaces glutamine, which is neutral and polar, with histidine, which is basic and polar, at codon 666 of the MTRR protein (p.Gln666His). This variant is present in population databases (rs767507060, gnomAD 0.03%). This variant has not been reported in the literature in individuals affected with MTRR-related conditions. Algorithms developed to predict the effect of missense changes on protein structure and function are either unavailable or do not agree on the potential impact of this missense change (SIFT: "Deleterious"; PolyPhen-2: "Benign"; Align-GVGD: "Class C0"). In summary, the available evidence is currently insufficient to determine the role of this variant in disease. Therefore, it has been classified as a Variant of Uncertain Significance.

NM_002454.3(MTRR):c.1998A>C (p.Gln666His)

Gene: MTRR (5-methyltetrahydrofolate-homocysteine methyltransferase reductase; plus strand). Cytogenetic location: 5p15.31.
Variant type: single nucleotide variant.
Coding change: c.1998A>C on transcript NM_002454.3 (MANE Select); coding-DNA position 1998, A replaced by C.
Protein change: p.Gln666His; replaces glutamine 666 with histidine.
Molecular consequence: missense variant. On other transcripts: non-coding transcript variant (14).
Genome position (GRCh38, 1-based): chr5:7,899,959, A>C. VCF-style: chr5-7899959-A-C. GRCh37 (hg19) VCF-style: chr5-7900072-A-C.
Other names: c.1998A>C, p.Gln666His (NM_001364440.2, NM_001364441.2, NM_001364442.2 and 1 more transcripts); short protein forms Q666H.
Identifiers: ClinVar variation 1366378 (VCV001366378.5), dbSNP rs767507060, ClinGen allele CA3196144.